The following is an entry in ClinVar:

NM_005271.5(GLUD1):c.655A>G (p.Ile219Val)

Gene: GLUD1 (glutamate dehydrogenase 1; minus strand). Cytogenetic location: 10q23.2.
Variant type: single nucleotide variant.
Coding change: c.655A>G on transcript NM_005271.5 (MANE Select); coding-DNA position 655, A replaced by G.
Protein change: p.Ile219Val; replaces isoleucine 219 with valine.
Molecular consequence: missense variant.
Genome position (GRCh38, 1-based): chr10:87,068,149, T>C on the plus strand (A>G on the coding strand, the complement: GLUD1 is on the minus strand). VCF-style: chr10-87068149-T-C. GRCh37 (hg19) VCF-style: chr10-88827906-T-C.
Other names: c.256A>G, p.Ile86Val (NM_001318900.1); c.154A>G, p.Ile52Val (NM_001318901.1, NM_001318902.1, NM_001318904.2 and 2 more transcripts); short protein forms I219V, I52V, I86V.
Identifiers: ClinVar variation 1954823 (VCV001954823.5), dbSNP rs760068615, ClinGen allele CA5587604.
Genomic context (GRCh38, chr10:87,068,149, plus strand): 5'-TATCAGCGATCCAGGACATCTCCCGCTCACCTGTGCTCATGTCTGGAGCAGGCACATCAA[T>C]GCCAGGACCTGCGGGGGCACAGGGAAAGAGGAGTGCACCAGTTTTTAAGAAAAATTCTTC-3'
Protein context (NP_005262.1, residues 209-229): LAKKGFIGPG[Ile219Val]DVPAPDMSTG

ClinVar aggregate classification (germline): Uncertain significance (1 of 4 stars; one submission).

Conditions:
Hyperinsulinism-hyperammonemia syndrome (HHF6). Identifiers: Orphanet 35878, MedGen C1847555, MONDO:0011717, OMIM 606762.

Allele frequency attached by ClinVar (database versions not stated): gnomAD exomes below 0.00001; ExAC 0.00001; TOPMed 0.00001.
gnomAD v4.1: 6 of 1,608,768 alleles (0.00037%); highest among the groups gnomAD compares: East Asian, 0.0022%; no homozygotes.

Submission:

Labcorp Genetics (formerly Invitae), Labcorp
Classification: Uncertain significance for Hyperinsulinism-hyperammonemia syndrome. Last evaluated: 2024-10-15. Review status: criteria provided, single submitter. Criteria: Invitae Variant Classification Sherloc (09022015). Collection method: clinical testing. Allele origin: germline.
Comment: This sequence change replaces isoleucine, which is neutral and non-polar, with valine, which is neutral and non-polar, at codon 219 of the GLUD1 protein (p.Ile219Val). This variant is present in population databases (rs760068615, gnomAD 0.0009%). This variant has not been reported in the literature in individuals affected with GLUD1-related conditions. ClinVar contains an entry for this variant (Variation ID: 1954823). Invitae Evidence Modeling of protein sequence and biophysical properties (such as structural, functional, and spatial information, amino acid conservation, physicochemical variation, residue mobility, and thermodynamic stability) indicates that this missense variant is not expected to disrupt GLUD1 protein function with a negative predictive value of 80%. In summary, the available evidence is currently insufficient to determine the role of this variant in disease. Therefore, it has been classified as a Variant of Uncertain Significance.